The following is an entry in ClinVar:

ClinVar aggregate classification (germline): Uncertain significance (0 of 4 stars; one submission).

Conditions:
MBD5-related disorder. Also called: MBD5-related condition.

Submission:

PreventionGenetics, part of Exact Sciences
Classification: Uncertain significance for MBD5-related condition. Last evaluated: 2024-06-10. Review status: no assertion criteria provided. Collection method: clinical testing. Allele origin: germline.
Comment: The MBD5 c.3233G>T variant is predicted to result in the amino acid substitution p.Gly1078Val. To our knowledge, this variant has not been reported in the literature or in a large population database, indicating this variant is rare. At this time, the clinical significance of this variant is uncertain due to the absence of conclusive functional and genetic evidence.

NM_001378120.1(MBD5):c.3932G>T (p.Gly1311Val)

Gene: MBD5 (methyl-CpG binding domain protein 5; plus strand). Cytogenetic location: 2q23.1.
Variant type: single nucleotide variant.
Coding change: c.3932G>T on transcript NM_001378120.1 (MANE Select); coding-DNA position 3932, G replaced by T.
Protein change: p.Gly1311Val; replaces glycine 1311 with valine.
Molecular consequence: missense variant.
Genome position (GRCh38, 1-based): chr2:148,489,564, G>T. VCF-style: chr2-148489564-G-T. GRCh37 (hg19) VCF-style: chr2-149247133-G-T.
Other names: c.3233G>T, p.Gly1078Val (NM_018328.5); short protein forms G1078V, G1311V.
Identifiers: ClinVar variation 3351606 (VCV003351606.1).
Genomic context (GRCh38, chr2:148,489,564, plus strand): 5'-AGTTGCAACCGAGGATTGACCCATCTCTTGGTCAACAGGTGAAGGATGGCCTCGTTGTGG[G>T]TGGCCCAGGTGATGCTTCCGTAGATGCCATTTACAAAGCAGTTGTCGATGCAGCCAGCAA-3'
Protein context (NP_001365049.1, residues 1301-1321): GQQVKDGLVV[Gly1311Val]GPGDASVDAI